The following is an entry in ClinVar:

ClinVar aggregate classification (germline): Benign/Likely benign. Review status: criteria provided, multiple submitters, no conflicts (2 of 4 stars). 5 submissions from 5 submitters: Benign (2); Likely benign (3). Last evaluated 2025-05-15.

Conditions:
Hereditary cancer-predisposing syndrome. Also called: Hereditary Cancer Syndrome; Neoplastic Syndromes, Hereditary; Hereditary neoplastic syndrome; Tumor predisposition. Identifiers: Orphanet 140162, MedGen C0027672, MeSH D009386, MONDO:0015356.
Tuberous sclerosis 2 (TSC2). Identifiers: Orphanet 805, MedGen C1860707, MONDO:0013199, OMIM 613254.

Allele frequency attached by ClinVar (database versions not stated): TOPMed 0.00001.
gnomAD v4.1: 8 of 1,613,682 alleles (0.0005%); highest among the groups gnomAD compares: Non-Finnish European, 0.00068%; no homozygotes.

Submissions (5):

Myriad Genetics, Inc.
Classification: Benign for Tuberous sclerosis 2. Last evaluated: 2025-05-15. Review status: criteria provided, single submitter. Criteria: Myriad Autosomal Dominant, Autosomal Recessive and X-Linked Classification Criteria (2023). Collection method: clinical testing. Allele origin: unknown.
Comment: This variant is considered benign. This variant is a silent/synonymous amino acid change and it is not expected to impact splicing.

Labcorp Genetics (formerly Invitae), Labcorp
Classification: Likely benign for Tuberous sclerosis 2. Last evaluated: 2022-09-19. Review status: criteria provided, single submitter. Criteria: Invitae Variant Classification Sherloc (09022015). Collection method: clinical testing. Allele origin: germline.

Sema4
Classification: Likely benign for Hereditary cancer-predisposing syndrome. Last evaluated: 2021-11-22. Review status: criteria provided, single submitter. Criteria: Sema4 Curation Guidelines. Collection method: curation. Allele origin: germline.

Genome-Nilou Lab
Classification: Benign for Tuberous sclerosis 2. Last evaluated: 2021-11-07. Review status: criteria provided, single submitter. Criteria: ACMG Guidelines, 2015. Collection method: clinical testing. Allele origin: germline. Affected: no.

Ambry Genetics
Classification: Likely benign for Hereditary cancer-predisposing syndrome. Last evaluated: 2018-06-08. Review status: criteria provided, single submitter. Criteria: Ambry Variant Classification Scheme 2023. Collection method: clinical testing. Allele origin: germline.

NM_000548.5(TSC2):c.1626C>T (p.Pro542=)

Gene: TSC2 (TSC complex subunit 2; plus strand). Cytogenetic location: 16p13.3.
Variant type: single nucleotide variant.
Coding change: c.1626C>T on transcript NM_000548.5 (MANE Select); coding-DNA position 1626, C replaced by T.
Protein change: p.Pro542=; no amino-acid change (proline 542 retained).
Molecular consequence: synonymous variant.
Genome position (GRCh38, 1-based): chr16:2,065,545, C>T. VCF-style: chr16-2065545-C-T. GRCh37 (hg19) VCF-style: chr16-2115546-C-T.
Other names: c.1626C>T, p.Pro542= (NM_001077183.3, NM_001114382.3, NM_001363528.2 and 3 more transcripts); c.1515C>T, p.Pro505= (NM_001318827.2); c.1479C>T, p.Pro493= (NM_001318829.2); c.1026C>T, p.Pro342= (NM_001318831.2); c.1659C>T, p.Pro553= (NM_001318832.2).
Identifiers: ClinVar variation 819696 (VCV000819696.16), dbSNP rs376234285, ClinGen allele CA031849.